The following is an entry in ClinVar:

NM_000545.8(HNF1A):c.1623+3A>G

Gene: HNF1A (HNF1 homeobox A; plus strand). Cytogenetic location: 12q24.31.
Variant type: single nucleotide variant.
Coding change: c.1623+3A>G on transcript NM_000545.8 (MANE Select); 3 bases into the intron after coding-DNA position 1623, A replaced by G.
Molecular consequence: intron variant.
Genome position (GRCh38, 1-based): chr12:120,999,392, A>G. VCF-style: chr12-120999392-A-G. GRCh37 (hg19) VCF-style: chr12-121437195-A-G.
Other names: c.1623+3A>G (NM_001306179.2).
Identifiers: ClinVar variation 256598 (VCV000256598.7), dbSNP rs886038347, ClinGen allele CA10587145.

ClinVar aggregate classification (germline): Uncertain significance. Review status: reviewed by expert panel (3 of 4 stars). 3 submissions from 3 submitters: Uncertain significance (1). 2 of the submissions do not count toward it. Last evaluated 2025-09-26.

Conditions:
Monogenic diabetes. Identifiers: Orphanet 183625, MedGen C3888631, MONDO:0015967.
Maturity-onset diabetes of the young (MODY). Also called: Maturity onset diabetes mellitus in young. Identifiers: Orphanet 552, MedGen C0342276, MONDO:0018911, HP:0004904.

Submissions (3):

ClinGen Monogenic Diabetes Variant Curation Expert Panel
Classification: Uncertain significance for Monogenic diabetes. Last evaluated: 2025-09-26. Review status: reviewed by expert panel. Criteria: ClinGen Diabetes ACMG Specifications HNF1A V3.0.0. Collection method: curation. Allele origin: germline. Inheritance: Autosomal dominant inheritance.
Comment: The c.1623+3A>G variant in the HNF1 homeobox A gene, HNF1A, is predicted to remove a canonical splice donor site in intron 8 of NM_000545.8. Additionally, this variant is absent from gnomAD v4.1.0 (PM2_Supporting). The computational splicing predictor SpliceAI gives a score of 0.0 for donor loss, suggesting that the variant has no impact on splicing (BP4). This variant was identified in two unrelated individuals with non-autoimmune and non-absolute/near-absolute insulin-deficient diabetes; however, PS4_Moderate cannot be applied because the number is below the ClinGen MDEP threshold (Clinvar ID: 256598; Internal lab contributors). In summary, c.1623+3A>G meets the criteria to be classified as a variant of uncertain significance for monogenic diabetes. ACMG/AMP criteria applied, as specified by the ClinGen MDEP (specification version 3.0.0, approved 6/30/2025): PM2_Supporting, BP4.

Clinical Genomics, Uppaluri K&H Personalized Medicine Clinic
Classification: Uncertain significance for Maturity-onset diabetes of the young. Review status: criteria provided, single submitter. Criteria: K & H Uppaluri Personalized Medicine Clinic Variant Classification & Assertion Criteria_Updated V.1. Collection method: research. Allele origin: unknown. Inheritance: Autosomal dominant inheritance. Not counted in ClinVar's aggregate classification.
Comment: Mutations in HNF1A gene can predispose to MODY3. It is associated with both micro and macrovascular complications of diabetes, especially cardiovascular complications. Associated with glucosuria. May respond well to sulfonylureas. However, more evidence is required to confer the association of this particular variant rs886038347 with MODY3.

PreventionGenetics, part of Exact Sciences
Classification: Likely benign. Review status: criteria provided, single submitter. Criteria: ACMG Guidelines, 2015. Collection method: clinical testing. Allele origin: germline. Not counted in ClinVar's aggregate classification.

Literature cited by the submitters: PubMed 31517624 (cited by Clinical Genomics, Uppaluri K&H Personalized Medicine Clinic); PubMed 32395877 (cited by Clinical Genomics, Uppaluri K&H Personalized Medicine Clinic); PubMed 35328643 (cited by Clinical Genomics, Uppaluri K&H Personalized Medicine Clinic); PubMed 35673428 (cited by Clinical Genomics, Uppaluri K&H Personalized Medicine Clinic).